The following is an entry in ClinVar:

NM_001018115.3(FANCD2):c.1757C>T (p.Ala586Val)

Genes: FANCD2 (FA complementation group D2; plus strand), LOC107303338 (3p25 FANCD2 Alu-mediated recombination region; plus strand). Cytogenetic location: 3p25.3.
Variant type: single nucleotide variant.
Coding change: c.1757C>T on transcript NM_001018115.3 (MANE Select); coding-DNA position 1757, C replaced by T.
Protein change: p.Ala586Val; replaces alanine 586 with valine.
Molecular consequence: missense variant.
Genome position (GRCh38, 1-based): chr3:10,060,394, C>T. VCF-style: chr3-10060394-C-T. GRCh37 (hg19) VCF-style: chr3-10102078-C-T.
Other names: c.1757C>T, p.Ala586Val (NM_001319984.2, NM_001374254.1, NM_033084.6); c.1646C>T, p.Ala549Val (NM_001374253.1); short protein forms A549V, A586V.
Identifiers: ClinVar variation 827979 (VCV000827979.13), dbSNP rs377490218, ClinGen allele CA2249772.

ClinVar aggregate classification (germline): Uncertain significance. Review status: criteria provided, multiple submitters, no conflicts (2 of 4 stars). 5 submissions from 5 submitters: Uncertain significance (5). Last evaluated 2024-10-26.

Conditions:
Fanconi anemia (FA). Also called: Fanconi's anemia. Identifiers: Orphanet 84, MedGen C0015625, MeSH D005199, MONDO:0019391.
Fanconi anemia complementation group D2. Also called: FANCD2-Related Fanconi Anemia; FANCONI PANCYTOPENIA, TYPE 4; FANCONI ANEMIA, COMPLEMENTATION GROUP D. Identifiers: Orphanet 84, MedGen C3160738, MONDO:0009214, OMIM 227646.

Allele frequency attached by ClinVar (database versions not stated): gnomAD 0.00007; gnomAD exomes 0.00007 and 0.00010; ExAC 0.00008; ESP Exome Variant Server 0.00008; TOPMed 0.00009.
gnomAD v4.1: 157 of 1,612,922 alleles (0.0097%); highest among the groups gnomAD compares: Non-Finnish European, 0.012%; no homozygotes.

Submissions (5):

Labcorp Genetics (formerly Invitae), Labcorp
Classification: Uncertain significance for Fanconi anemia. Last evaluated: 2024-10-26. Review status: criteria provided, single submitter. Criteria: Invitae Variant Classification Sherloc (09022015). Collection method: clinical testing. Allele origin: germline.
Comment: This sequence change replaces alanine, which is neutral and non-polar, with valine, which is neutral and non-polar, at codon 586 of the FANCD2 protein (p.Ala586Val). This variant is present in population databases (rs377490218, gnomAD 0.01%). This missense change has been observed in individual(s) with myeloid neoplasm (PMID: 37216690). ClinVar contains an entry for this variant (Variation ID: 827979). Invitae Evidence Modeling of protein sequence and biophysical properties (such as structural, functional, and spatial information, amino acid conservation, physicochemical variation, residue mobility, and thermodynamic stability) indicates that this missense variant is not expected to disrupt FANCD2 protein function with a negative predictive value of 80%. In summary, the available evidence is currently insufficient to determine the role of this variant in disease. Therefore, it has been classified as a Variant of Uncertain Significance.

Blueprint Genetics
Classification: Uncertain significance. Last evaluated: 2022-04-09. Review status: criteria provided, single submitter. Criteria: ACMG Guidelines, 2015. Collection method: clinical testing. Allele origin: germline.

Institute for Clinical Genetics, University Hospital TU Dresden, University Hospital TU Dresden
Classification: Uncertain significance. Last evaluated: 2021-11-03. Review status: criteria provided, single submitter. Criteria: ACMG Guidelines, 2015. Collection method: clinical testing. Allele origin: germline.

Fulgent Genetics
Classification: Uncertain significance for Fanconi anemia complementation group D2. Last evaluated: 2021-11-02. Review status: criteria provided, single submitter. Criteria: ACMG Guidelines, 2015. Collection method: clinical testing. Allele origin: unknown.

Center for Genomics, Ann and Robert H. Lurie Children's Hospital of Chicago
Classification: Uncertain significance for Fanconi anemia complementation group D2. Last evaluated: 2021-03-30. Review status: criteria provided, single submitter. Criteria: ACMG Guidelines, 2015. Collection method: clinical testing. Allele origin: germline.
Comment: FANCD2 NM_033084.4 exon 19 p.Ala586Val (c.1757C>T): This variant has not been reported in the literature and is present in 0.01% (6/35430) of Latino alleles in the Genome Aggregation Database. Evolutionary conservation and computational predictive tools suggest that this variant may impact the protein. In summary, data on this variant is insufficient for disease classification. Therefore, the clinical significance of this variant is uncertain.

Literature cited by the submitters: PubMed 37216690 (cited by Labcorp Genetics (formerly Invitae), Labcorp).